The following is an entry in ClinVar:

ClinVar aggregate classification (germline): Uncertain significance (1 of 4 stars; one submission).

Submission:

ISCA site 4
Classification: Uncertain significance. Last evaluated: 2011-08-12. Review status: criteria provided, single submitter. Criteria: Kaminsky et al. (Genet Med. 2011). Collection method: clinical testing. Allele origin: unknown. Affected: yes. Observed: 1 variant allele.
Comment: Copy number variation identified through the course of routine clinical cytogenomic testing in postnatal populations. Clinical assertions have been curated as described in Kaminsky et al. 2011.

GRCh38/hg38 13q31.3(chr13:91615056-91879009)x1

Gene: GPC5 (glypican 5; plus strand). Cytogenetic location: 13q31.3.
Variant type: copy number loss.
Change: copy number 1 (one copy instead of two) of chr13:91,615,056-91,879,009 (264.0 kb, GRCh38 coordinates, 1-based), cytogenetic band 13q31.3.
Identifiers: ClinVar variation 57040 (VCV000057040.1).